The following is an entry in ClinVar:

NM_017433.5(MYO3A):c.3112G>T (p.Val1038Leu)

Gene: MYO3A (myosin IIIA; plus strand). Cytogenetic location: 10p12.1.
Variant type: single nucleotide variant.
Coding change: c.3112G>T on transcript NM_017433.5 (MANE Select); coding-DNA position 3112, G replaced by T.
Protein change: p.Val1038Leu; replaces valine 1038 with leucine.
Molecular consequence: missense variant.
Genome position (GRCh38, 1-based): chr10:26,168,712, G>T. VCF-style: chr10-26168712-G-T. GRCh37 (hg19) VCF-style: chr10-26457641-G-T.
Other names: short protein forms V1038L.
Identifiers: ClinVar variation 1207614 (VCV001207614.6), dbSNP rs137900700, ClinGen allele CA5445185.
Genomic context (GRCh38, chr10:26,168,712, plus strand): 5'-GCACATAACTGCTTCACATCTGTGTGCCATGGTTCTTTGTATTATATTTTAATTTTTCAG[G>T]TGTTCCTTAAGTATTATCACGTGGAGCAGTTAAATCTAATGCGAAAGGAAGCTATTGACA-3'
Protein context (NP_059129.3, residues 1028-1048): LDNWALGKTK[Val1038Leu]FLKYYHVEQL

ClinVar aggregate classification (germline): Uncertain significance. Review status: criteria provided, multiple submitters, no conflicts (2 of 4 stars). 2 submissions from 2 submitters: Uncertain significance (2). Last evaluated 2024-09-04.

Allele frequency attached by ClinVar (database versions not stated): ExAC 0.00007; gnomAD exomes 0.00007; ESP Exome Variant Server 0.00008; gnomAD 0.00017 and 0.00020; TOPMed 0.00025.
gnomAD v4.1: 52 of 1,611,982 alleles (0.0032%); highest among the groups gnomAD compares: African/African-American, 0.059%; no homozygotes.

Submissions (2):

Labcorp Genetics (formerly Invitae), Labcorp
Classification: Uncertain significance. Last evaluated: 2024-09-04. Review status: criteria provided, single submitter. Criteria: Invitae Variant Classification Sherloc (09022015). Collection method: clinical testing. Allele origin: germline.
Comment: This sequence change replaces valine, which is neutral and non-polar, with leucine, which is neutral and non-polar, at codon 1038 of the MYO3A protein (p.Val1038Leu). This variant is present in population databases (rs137900700, gnomAD 0.08%). This variant has not been reported in the literature in individuals affected with MYO3A-related conditions. ClinVar contains an entry for this variant (Variation ID: 1207614). An algorithm developed to predict the effect of missense changes on protein structure and function (PolyPhen-2) suggests that this variant is likely to be disruptive. Algorithms developed to predict the effect of sequence changes on RNA splicing suggest that this variant may disrupt the consensus splice site. In summary, the available evidence is currently insufficient to determine the role of this variant in disease. Therefore, it has been classified as a Variant of Uncertain Significance.

GeneDx
Classification: Uncertain significance. Last evaluated: 2024-08-23. Review status: criteria provided, single submitter. Criteria: GeneDx Variant Classification Process June 2021. Collection method: clinical testing. Allele origin: germline. Affected: yes.
Comment: In silico analysis supports that this missense variant has a deleterious effect on protein structure/function; Has not been previously published as pathogenic or benign to our knowledge; In silico analysis supports a deleterious effect on splicing